The following is an entry in ClinVar:

ClinVar aggregate classification (germline): Pathogenic. Review status: criteria provided, multiple submitters, no conflicts (2 of 4 stars). 2 submissions from 2 submitters: Pathogenic (2). Last evaluated 2025-02-13.

Conditions:
Gorlin syndrome. Also called: Nevoid Basal Cell Carcinoma Syndrome; Basal cell nevus syndrome. Identifiers: Orphanet 377, MedGen C0004779, MONDO:0007187.
Holoprosencephaly 7 (HPE7). Identifiers: Orphanet 2162, MedGen C1835820, MONDO:0012562, OMIM 610828.

Submissions (2):

Labcorp Genetics (formerly Invitae), Labcorp
Classification: Pathogenic for Gorlin syndrome. Last evaluated: 2025-02-13. Review status: criteria provided, single submitter. Criteria: Invitae Variant Classification Sherloc (09022015). Collection method: clinical testing. Allele origin: germline.
Comment: This sequence change affects a donor splice site in intron 2 of the PTCH1 gene. It is expected to disrupt RNA splicing. Variants that disrupt the donor or acceptor splice site typically lead to a loss of protein function (PMID: 16199547), and loss-of-function variants in PTCH1 are known to be pathogenic (PMID: 16301862, 16419085). This variant is not present in population databases (gnomAD no frequency). Disruption of this splice site has been observed in individuals with clinical features of basal cell nevus syndrome (PMID: 29575684, 30997576). Algorithms developed to predict the effect of sequence changes on RNA splicing suggest that this variant may disrupt the consensus splice site. For these reasons, this variant has been classified as Pathogenic.

3billion
Classification: Pathogenic for Holoprosencephaly 7. Last evaluated: 2023-12-14. Review status: criteria provided, single submitter. Criteria: ACMG Guidelines, 2015. Collection method: clinical testing. Allele origin: germline. Affected: yes.
Comment: The variant is not observed in the gnomAD v2.1.1 dataset. Predicted Consequence/Location: Canonical splice site: predicted to alter splicing and result in a loss or disruption of normal protein function. Multiple pathogenic loss-of-function variants are reported downstream of the variant. The variant has been reported to be associated with PTCH1 related disorder (PMID: 29575684). Therefore, this variant is classified as Pathogenic according to the recommendation of ACMG/AMP guideline.

Literature cited by the submitters: PubMed 16199547 (cited by Labcorp Genetics (formerly Invitae), Labcorp); PubMed 16301862 (cited by Labcorp Genetics (formerly Invitae), Labcorp); PubMed 16419085 (cited by Labcorp Genetics (formerly Invitae), Labcorp); PubMed 29575684 (cited by Labcorp Genetics (formerly Invitae), Labcorp and 3billion); PubMed 30997576 (cited by Labcorp Genetics (formerly Invitae), Labcorp).

NM_000264.5(PTCH1):c.394+1G>C

Gene: PTCH1 (patched 1; minus strand). Cytogenetic location: 9q22.32.
Variant type: single nucleotide variant.
Coding change: c.394+1G>C on transcript NM_000264.5 (MANE Select); the canonical splice donor site of the intron after coding-DNA position 394, G replaced by C.
Molecular consequence: splice donor variant.
Genome position (GRCh38, 1-based): chr9:95,506,406, C>G on the plus strand (G>C on the coding strand, the complement: PTCH1 is on the minus strand). VCF-style: chr9-95506406-C-G. GRCh37 (hg19) VCF-style: chr9-98268688-C-G.
Other names: c.391+1G>C (NM_001083603.3); c.196+1G>C (NM_001083602.3, NM_001354919.2); c.394+1G>C (NM_001354918.2); c.-60+1G>C (NM_001083605.3, NM_001083604.3, NM_001083606.3 and 1 more transcripts).
Identifiers: ClinVar variation 3775458 (VCV003775458.2).
Genomic context (GRCh38, chr9:95,506,406, plus strand): 5'-CTCTATCAACCGCGAGGAGGGACCGGGCCGGGGGCGCGGGCGCCGCGGCGGGCGCTCTTA[C>G]CTTCCACCCACAGCTCCTCCACGTTGGTCTCGAGGTTCGCTGCTTTTAATCCCACCGCGA-3'